The following is an entry in ClinVar:

NM_032217.5(ANKRD17):c.1106C>A (p.Thr369Asn)

Gene: ANKRD17 (ankyrin repeat domain 17; minus strand). Cytogenetic location: 4q13.3.
Variant type: single nucleotide variant.
Coding change: c.1106C>A on transcript NM_032217.5 (MANE Select); coding-DNA position 1106, C replaced by A.
Protein change: p.Thr369Asn; replaces threonine 369 with asparagine.
Molecular consequence: missense variant.
Genome position (GRCh38, 1-based): chr4:73,154,008, G>T on the plus strand (C>A on the coding strand, the complement: ANKRD17 is on the minus strand). VCF-style: chr4-73154008-G-T. GRCh37 (hg19) VCF-style: chr4-74019725-G-T.
Other names: c.767C>A, p.Thr256Asn (NM_001286771.3); c.1106C>A, p.Thr369Asn (NM_015574.2, NM_198889.3); short protein forms T256N, T369N.
Identifiers: ClinVar variation 2136222 (VCV002136222.1), dbSNP rs2531233113, ClinGen allele CA357227477.

ClinVar aggregate classification (germline): Uncertain significance (1 of 4 stars; one submission).

Submission:

GeneDx
Classification: Uncertain significance. Last evaluated: 2022-07-20. Review status: criteria provided, single submitter. Criteria: GeneDx Variant Classification Process June 2021. Collection method: clinical testing. Allele origin: germline. Affected: yes.
Comment: Not observed at significant frequency in large population cohorts (gnomAD); In silico analysis supports that this missense variant has a deleterious effect on protein structure/function; Has not been previously published as pathogenic or benign to our knowledge